The following is an entry in ClinVar:

ClinVar aggregate classification (germline): Conflicting classifications of pathogenicity. Review status: criteria provided, conflicting classifications (1 of 4 stars). 3 submissions from 3 submitters: Uncertain significance (1); Likely benign (2). Last evaluated 2026-03-30.

Conditions:
Cardiovascular phenotype. Identifiers: MedGen CN230736.
DK1-congenital disorder of glycosylation. Also called: CDG Im; DK1 DEFICIENCY; DOLICHOL KINASE DEFICIENCY; CONGENITAL DISORDER OF GLYCOSYLATION, TYPE Im; DK1-CDG; DOLK-congenital disorder of glycosylation. Identifiers: Orphanet 91131, MedGen C1835849, MONDO:0012556, OMIM 610768.

Allele frequency attached by ClinVar (database versions not stated): gnomAD 0.00001; TOPMed 0.00002.

Submissions (3):

Ambry Genetics
Classification: Likely benign for Cardiovascular phenotype. Last evaluated: 2026-03-30. Review status: criteria provided, single submitter. Criteria: Ambry Variant Classification Scheme 2023. Collection method: clinical testing. Allele origin: germline.

Illumina Laboratory Services, Illumina
Classification: Uncertain significance for DK1-congenital disorder of glycosylation. Last evaluated: 2018-01-13. Review status: criteria provided, single submitter. Criteria: ICSL Variant Classification Criteria 13 December 2019. Collection method: clinical testing. Allele origin: germline.

GeneDx
Classification: Likely benign. Last evaluated: 2017-06-01. Review status: criteria provided, single submitter. Criteria: GeneDx Variant Classification (06012015). Collection method: clinical testing. Allele origin: germline. Affected: yes.
Comment: This variant is considered likely benign or benign based on one or more of the following criteria: it is a conservative change, it occurs at a poorly conserved position in the protein, it is predicted to be benign by multiple in silico algorithms, and/or has population frequency not consistent with disease.

NM_014908.4(DOLK):c.513T>C (p.Leu171=)

Gene: DOLK (dolichol kinase; minus strand). Cytogenetic location: 9q34.11.
Variant type: single nucleotide variant.
Coding change: c.513T>C on transcript NM_014908.4 (MANE Select); coding-DNA position 513, T replaced by C.
Protein change: p.Leu171=; no amino-acid change (leucine 171 retained).
Molecular consequence: synonymous variant.
Genome position (GRCh38, 1-based): chr9:128,946,791, A>G on the plus strand (T>C on the coding strand, the complement: DOLK is on the minus strand). VCF-style: chr9-128946791-A-G. GRCh37 (hg19) VCF-style: chr9-131709070-A-G.
Identifiers: ClinVar variation 365197 (VCV000365197.6), dbSNP rs886063514, ClinGen allele CA10632790.